The following is an entry in ClinVar:

NM_001165963.4(SCN1A):c.2899A>G (p.Met967Val)

Gene: SCN1A (sodium voltage-gated channel alpha subunit 1; minus strand). Cytogenetic location: 2q24.3.
Variant type: single nucleotide variant.
Coding change: c.2899A>G on transcript NM_001165963.4 (MANE Select); coding-DNA position 2899, A replaced by G.
Protein change: p.Met967Val; replaces methionine 967 with valine.
Molecular consequence: missense variant. On other transcripts: non-coding transcript variant (1).
Genome position (GRCh38, 1-based): chr2:166,037,823, T>C on the plus strand (A>G on the coding strand, the complement: SCN1A is on the minus strand). VCF-style: chr2-166037823-T-C. GRCh37 (hg19) VCF-style: chr2-166894333-T-C.
Other names: c.2815A>G, p.Met939Val (NM_001165964.3, NM_001353957.2, NM_001353958.2); c.2899A>G, p.Met967Val (NM_001202435.3, NM_001353948.2); c.2866A>G, p.Met956Val (NM_001353949.2, NM_001353950.2, NM_001353951.2 and 2 more transcripts); c.2863A>G, p.Met955Val (NM_001353954.2, NM_001353955.2); c.2812A>G, p.Met938Val (NM_001353960.2); c.457A>G, p.Met153Val (NM_001353961.2); short protein forms M956V, M153V, M938V, M955V, M967V, M939V.
Identifiers: ClinVar variation 2827527 (VCV002827527.3), dbSNP rs1696609643, ClinGen allele CA349060931.
Genomic context (GRCh38, chr2:166,037,823, plus strand): 5'-AGTGGGTACATACCACTAGGTTTCCAATCACCATGACCATCATGAAGACAGTAAGGCACA[T>C]GGCTTGACCAGCAACCTCCATACAGTCCCACATGGTCTCTATCCACTCCCCACACAGCAC-3'
Protein context (NP_001159435.1, residues 957-977): WDCMEVAGQA[Met967Val]CLTVFMMVMV

ClinVar aggregate classification (germline): Uncertain significance (1 of 4 stars; one submission).

Conditions:
Early-infantile DEE. Also called: Early infantile epileptic encephalopathy; Early infantile epileptic encephalopathy with suppression bursts; Ohtahara syndrome. Identifiers: Orphanet 1934, MedGen C0393706, MONDO:0800491.

Allele frequency attached by ClinVar (database versions not stated): gnomAD 0.00001.
gnomAD v4.1: 1 of 1,614,042 alleles (0.000062%); highest among the groups gnomAD compares: South Asian, 0.0011%; no homozygotes.

Submission:

Labcorp Genetics (formerly Invitae), Labcorp
Classification: Uncertain significance for Early-infantile DEE. Last evaluated: 2023-01-10. Review status: criteria provided, single submitter. Criteria: Invitae Variant Classification Sherloc (09022015). Collection method: clinical testing. Allele origin: germline.
Comment: Advanced modeling of protein sequence and biophysical properties (such as structural, functional, and spatial information, amino acid conservation, physicochemical variation, residue mobility, and thermodynamic stability) has been performed at Invitae for this missense variant, however the output from this modeling did not meet the statistical confidence thresholds required to predict the impact of this variant on SCN1A protein function. In summary, the available evidence is currently insufficient to determine the role of this variant in disease. Therefore, it has been classified as a Variant of Uncertain Significance. This sequence change replaces methionine, which is neutral and non-polar, with valine, which is neutral and non-polar, at codon 967 of the SCN1A protein (p.Met967Val). This variant is not present in population databases (gnomAD no frequency). This variant has not been reported in the literature in individuals affected with SCN1A-related conditions.